The following is an entry in ClinVar:

ClinVar aggregate classification (germline): Uncertain significance (1 of 4 stars; one submission).

Submission:

Labcorp Genetics (formerly Invitae), Labcorp
Classification: Uncertain significance. Last evaluated: 2020-10-14. Review status: criteria provided, single submitter. Criteria: Invitae Variant Classification Sherloc (09022015). Collection method: clinical testing. Allele origin: germline.
Comment: This variant has not been reported in the literature in individuals with GPR179-related conditions. This sequence change replaces proline with serine at codon 1340 of the GPR179 protein (p.Pro1340Ser). The proline residue is weakly conserved and there is a moderate physicochemical difference between proline and serine. This variant is not present in population databases (ExAC no frequency). Algorithms developed to predict the effect of missense changes on protein structure and function output the following: SIFT: "Tolerated"; PolyPhen-2: "Benign"; Align-GVGD: "Class C0". The serine amino acid residue is found in multiple mammalian species, suggesting that this missense change does not adversely affect protein function. These predictions have not been confirmed by published functional studies and their clinical significance is uncertain. In summary, the available evidence is currently insufficient to determine the role of this variant in disease. Therefore, it has been classified as a Variant of Uncertain Significance.

NM_001004334.4(GPR179):c.4018C>T (p.Pro1340Ser)

Gene: GPR179 (G protein-coupled receptor 179; minus strand). Cytogenetic location: 17q12.
Variant type: single nucleotide variant.
Coding change: c.4018C>T on transcript NM_001004334.4 (MANE Select); coding-DNA position 4018, C replaced by T.
Protein change: p.Pro1340Ser; replaces proline 1340 with serine.
Molecular consequence: missense variant.
Genome position (GRCh38, 1-based): chr17:38,329,551, G>A on the plus strand (C>T on the coding strand, the complement: GPR179 is on the minus strand). VCF-style: chr17-38329551-G-A. GRCh37 (hg19) VCF-style: chr17-36485434-G-A.
Other names: short protein forms P1340S.
Identifiers: ClinVar variation 1043019 (VCV001043019.8), dbSNP rs768716998, ClinGen allele CA398877807.